The following is an entry in ClinVar:

ClinVar aggregate classification (germline): Conflicting classifications of pathogenicity. Review status: criteria provided, conflicting classifications (1 of 4 stars). 5 submissions from 5 submitters: Uncertain significance (2); Likely benign (2). 1 of the submissions does not count toward it. Last evaluated 2026-01-05.

Conditions:
RYR2-related disorder. Also called: RYR2-related condition.
Catecholaminergic polymorphic ventricular tachycardia 1. Also called: RYR2-Related Catecholaminergic Polymorphic Ventricular Tachycardia; VENTRICULAR TACHYCARDIA, CATECHOLAMINERGIC POLYMORPHIC, 1, WITH OR WITHOUT ATRIAL DYSFUNCTION AND/OR DILATED CARDIOMYOPATHY; VENTRICULAR TACHYCARDIA, STRESS-INDUCED POLYMORPHIC 1. Identifiers: Orphanet 3286, MedGen C1631597, MONDO:0011484, OMIM 604772.
Cardiovascular phenotype. Identifiers: MedGen CN230736.
Catecholaminergic polymorphic ventricular tachycardia (CVPT). Also called: Catecholamine-induced polymorphic ventricular tachycardia. Identifiers: Orphanet 3286, MedGen C5574922, MONDO:0017990.
Cardiomyopathy (CMYO). Also called: Cardiomyopathies. Identifiers: Orphanet 167848, MedGen C0878544, MONDO:0004994, HP:0001638. Inheritance: Various modes of inheritance.

Allele frequency attached by ClinVar (database versions not stated): ExAC 0.00003; gnomAD exomes 0.00003 and 0.00005; TOPMed 0.00005; gnomAD 0.00006; ESP Exome Variant Server 0.00008.
gnomAD v4.1: 61 of 1,613,850 alleles (0.0038%); highest among the groups gnomAD compares: Non-Finnish European, 0.00042%; 1 homozygote.

Submissions (5):

Labcorp Genetics (formerly Invitae), Labcorp
Classification: Likely benign for Catecholaminergic polymorphic ventricular tachycardia 1. Last evaluated: 2026-01-05. Review status: criteria provided, single submitter. Criteria: Invitae Variant Classification Sherloc (09022015). Collection method: clinical testing. Allele origin: germline.

All of Us Research Program, National Institutes of Health
Classification: Uncertain significance for Catecholaminergic polymorphic ventricular tachycardia. Last evaluated: 2024-07-20. Review status: criteria provided, single submitter. Criteria: ACMG Guidelines, 2015. Collection method: clinical testing. Allele origin: germline. Inheritance: Autosomal dominant inheritance. Observed: 21 variant alleles, 20 heterozygotes, 1 homozygote.
Comment: This missense variant replaces threonine with arginine at codon 682 of the RYR2 protein. Computational prediction suggests that this variant may not impact protein structure and function (internally defined REVEL score threshold <= 0.5, PMID: 27666373). To our knowledge, functional studies have not been reported for this variant. This variant has not been reported in individuals affected with cardiovascular disorders in the literature. This variant has been identified in 13/280706 chromosomes in the general population by the Genome Aggregation Database (gnomAD). The available evidence is insufficient to determine the role of this variant in disease conclusively. Therefore, this variant is classified as a Variant of Uncertain Significance.

This study involves interpretation of variants in research participants for the purpose of population health screening. Participant phenotype was not available at the time of variant classification. Additional details can be found in publication PMID: 35346344, PMCID: PMC8962531

Color Diagnostics, LLC DBA Color Health
Classification: Uncertain significance for Cardiomyopathy. Last evaluated: 2024-03-06. Review status: criteria provided, single submitter. Criteria: ACMG Guidelines, 2015. Collection method: clinical testing. Allele origin: germline.
Comment: This missense variant replaces threonine with arginine at codon 682 of the RYR2 protein. Computational prediction tools indicate that this variant has a neutral impact on protein structure and function. To our knowledge, functional studies have not been reported for this variant. This variant has not been reported in individuals affected with cardiovascular disorders in the literature. This variant has been identified in 13/280706 chromosomes in the general population by the Genome Aggregation Database (gnomAD). The available evidence is insufficient to determine the role of this variant in disease conclusively. Therefore, this variant is classified as a Variant of Uncertain Significance.

Ambry Genetics
Classification: Likely benign for Cardiovascular phenotype. Last evaluated: 2023-03-20. Review status: criteria provided, single submitter. Criteria: Ambry Variant Classification Scheme 2023. Collection method: clinical testing. Allele origin: germline.

PreventionGenetics, part of Exact Sciences
Classification: Likely benign for RYR2-related condition. Last evaluated: 2022-06-24. Review status: no assertion criteria provided. Collection method: clinical testing. Allele origin: germline. Not counted in ClinVar's aggregate classification.
Comment: This variant is classified as likely benign based on ACMG/AMP sequence variant interpretation guidelines (Richards et al. 2015 PMID: 25741868, with internal and published modifications).

NM_001035.3(RYR2):c.2045C>G (p.Thr682Arg)

Gene: RYR2 (ryanodine receptor 2; plus strand). Cytogenetic location: 1q43.
Variant type: single nucleotide variant.
Coding change: c.2045C>G on transcript NM_001035.3 (MANE Select); coding-DNA position 2045, C replaced by G.
Protein change: p.Thr682Arg; replaces threonine 682 with arginine.
Molecular consequence: missense variant.
Genome position (GRCh38, 1-based): chr1:237,496,594, C>G. VCF-style: chr1-237496594-C-G. GRCh37 (hg19) VCF-style: chr1-237659894-C-G.
Other names: c.2045C>G, p.Thr682Arg (LRG_402t1); short protein forms T682R.
Identifiers: ClinVar variation 628415 (VCV000628415.23), dbSNP rs377285489, ClinGen allele CA085949.